The following is an entry in ClinVar:

NM_001164508.2(NEB):c.5977dup (p.Tyr1993fs)

Gene: NEB (nebulin; minus strand). Cytogenetic location: 2q23.3.
Variant type: Duplication.
Coding change: c.5977dup on transcript NM_001164508.2 (MANE Select); coding-DNA position 5977, one base duplicated (T; older notation c.5977dupT).
Protein change: p.Tyr1993fs; shifts the reading frame from tyrosine 1993.
Molecular consequence: frameshift variant.
Genome position (GRCh38, 1-based): chr2:151,659,163, A duplicated on the plus strand (T on the coding strand, the reverse complement: NEB is on the minus strand). VCF-style (leftmost placement, unchanged base first): chr2-151659162-T-TA. GRCh37 (hg19) VCF-style: chr2-152515676-T-TA.
Other names: c.5977dup, p.Tyr1993fs (NM_001164507.2, NM_001271208.2, NM_004543.5); short protein forms Y1993fs.
Identifiers: ClinVar variation 861713 (VCV000861713.7), dbSNP rs2099118606, ClinGen allele CA916080283.

ClinVar aggregate classification (germline): Pathogenic (1 of 4 stars; one submission).

Conditions:
Nemaline myopathy 2 (NEM2). Also called: Nemaline myopathy 2, autosomal recessive. Identifiers: MedGen C1850569, MONDO:0009725, OMIM 256030.

Submission:

Labcorp Genetics (formerly Invitae), Labcorp
Classification: Pathogenic for Nemaline myopathy 2. Last evaluated: 2019-12-11. Review status: criteria provided, single submitter. Criteria: Invitae Variant Classification Sherloc (09022015). Collection method: clinical testing. Allele origin: germline.
Comment: This variant has not been reported in the literature in individuals with NEB-related conditions. This sequence change creates a premature translational stop signal (p.Tyr1993Leufs*8) in the NEB gene. It is expected to result in an absent or disrupted protein product. This variant is not present in population databases (ExAC no frequency). Loss-of-function variants in NEB are known to be pathogenic (PMID: 25205138). For these reasons, this variant has been classified as Pathogenic.

Literature cited by the submitters: PubMed 25205138.